The following is an entry in ClinVar:

NM_001018113.3(FANCB):c.1664C>T (p.Thr555Ile)

Gene: FANCB (FA complementation group B; minus strand). Cytogenetic location: Xp22.2.
Variant type: single nucleotide variant.
Coding change: c.1664C>T on transcript NM_001018113.3 (MANE Select); coding-DNA position 1664, C replaced by T.
Protein change: p.Thr555Ile; replaces threonine 555 with isoleucine.
Molecular consequence: missense variant.
Genome position (GRCh38, 1-based): chrX:14,845,119, G>A on the plus strand (C>T on the coding strand, the complement: FANCB is on the minus strand). VCF-style: chrX-14845119-G-A. GRCh37 (hg19) VCF-style: chrX-14863241-G-A.
Other names: c.1664C>T, p.Thr555Ile (NM_001324162.2, NM_152633.4); short protein forms T555I.
Identifiers: ClinVar variation 853828 (VCV000853828.9), dbSNP rs2092370867, ClinGen allele CA412439979.
Genomic context (GRCh38, chrX:14,845,119, plus strand): 5'-ACACACTCTTTCTTAGATGGGTGTTCACAAACAAAGCTTTCCTCTTTCTTGCTATCAGGG[G>A]TCAACGTGACCCTTTTTGCTTCCAATCCTATTTCACATGGCATCAAGTATGGTGCTGGGA-3'
Protein context (NP_001018123.1, residues 545-565): IGLEAKRVTL[Thr555Ile]PDSKKEESFV

ClinVar aggregate classification (germline): Uncertain significance (1 of 4 stars; one submission).

Conditions:
Fanconi anemia (FA). Also called: Fanconi's anemia. Identifiers: Orphanet 84, MedGen C0015625, MeSH D005199, MONDO:0019391.

Allele frequency attached by ClinVar (database versions not stated): gnomAD exomes below 0.00001.
gnomAD v4.1: 1 of 1,211,300 alleles (0.000083%); highest among the groups gnomAD compares: Non-Finnish European, 0.00011%; no homozygotes.

Submission:

Labcorp Genetics (formerly Invitae), Labcorp
Classification: Uncertain significance for Fanconi anemia. Last evaluated: 2023-08-20. Review status: criteria provided, single submitter. Criteria: Invitae Variant Classification Sherloc (09022015). Collection method: clinical testing. Allele origin: germline.
Comment: In summary, the available evidence is currently insufficient to determine the role of this variant in disease. Therefore, it has been classified as a Variant of Uncertain Significance. Advanced modeling of protein sequence and biophysical properties (such as structural, functional, and spatial information, amino acid conservation, physicochemical variation, residue mobility, and thermodynamic stability) performed at Invitae indicates that this missense variant is not expected to disrupt FANCB protein function. ClinVar contains an entry for this variant (Variation ID: 853828). This variant has not been reported in the literature in individuals affected with FANCB-related conditions. This variant is not present in population databases (gnomAD no frequency). This sequence change replaces threonine, which is neutral and polar, with isoleucine, which is neutral and non-polar, at codon 555 of the FANCB protein (p.Thr555Ile).